The following is an entry in ClinVar:

NM_053025.4(MYLK):c.4431G>T (p.Gln1477His)

Gene: MYLK (myosin light chain kinase; minus strand). Cytogenetic location: 3q21.1.
Variant type: single nucleotide variant.
Coding change: c.4431G>T on transcript NM_053025.4 (MANE Select); coding-DNA position 4431, G replaced by T.
Protein change: p.Gln1477His; replaces glutamine 1477 with histidine.
Molecular consequence: missense variant.
Genome position (GRCh38, 1-based): chr3:123,647,412, C>A on the plus strand (G>T on the coding strand, the complement: MYLK is on the minus strand). VCF-style: chr3-123647412-C-A. GRCh37 (hg19) VCF-style: chr3-123366259-C-A.
Other names: c.3903G>T, p.Gln1301His (NM_001321309.2); c.4224G>T, p.Gln1408His (NM_053026.4, NM_053028.4); c.4431G>T, p.Gln1477His (NM_053027.4); short protein forms Q1301H, Q1408H, Q1477H.
Identifiers: ClinVar variation 2501351 (VCV002501351.3), dbSNP rs1183444473, ClinGen allele CA354227363.

ClinVar aggregate classification (germline): Uncertain significance. Review status: criteria provided, multiple submitters, no conflicts (2 of 4 stars). 3 submissions from 3 submitters: Uncertain significance (3). Last evaluated 2025-10-29.

Conditions:
Aortic aneurysm, familial thoracic 7 (AAT7). Also called: AORTIC DISSECTION, FAMILIAL, WITH OR WITHOUT AORTIC ANEURYSM. Identifiers: MedGen C3151077, MONDO:0013418, OMIM 613780.
Familial thoracic aortic aneurysm and aortic dissection (TAAD). Also called: Thoracic aortic aneurysms and dissections. Identifiers: Orphanet 91387, MedGen C4707243, MONDO:0019625.

Allele frequency attached by ClinVar (database versions not stated): TOPMed below 0.00001; gnomAD exomes 0.00001.
gnomAD v4.1: 3 of 1,614,196 alleles (0.00019%); highest among the groups gnomAD compares: Non-Finnish European, 0.00025%; no homozygotes.

Submissions (3):

Ambry Genetics
Classification: Uncertain significance for Familial thoracic aortic aneurysm and aortic dissection. Last evaluated: 2025-10-29. Review status: criteria provided, single submitter. Criteria: Ambry Variant Classification Scheme 2023. Collection method: clinical testing. Allele origin: germline.
Comment: The p.Q1477H variant (also known as c.4431G>T), located in coding exon 24 of the MYLK gene, results from a G to T substitution at nucleotide position 4431. The glutamine at codon 1477 is replaced by histidine, an amino acid with highly similar properties. This amino acid position is conserved. In addition, the in silico prediction for this alteration is inconclusive. Based on the available evidence, the clinical significance of this variant remains unclear.

Labcorp Genetics (formerly Invitae), Labcorp
Classification: Uncertain significance for Aortic aneurysm, familial thoracic 7. Last evaluated: 2025-04-13. Review status: criteria provided, single submitter. Criteria: Invitae Variant Classification Sherloc (09022015). Collection method: clinical testing. Allele origin: germline.
Comment: This sequence change replaces glutamine, which is neutral and polar, with histidine, which is basic and polar, at codon 1477 of the MYLK protein (p.Gln1477His). This variant is present in population databases (no rsID available, gnomAD 0.002%). This variant has not been reported in the literature in individuals affected with MYLK-related conditions. ClinVar contains an entry for this variant (Variation ID: 2501351). Invitae Evidence Modeling of protein sequence and biophysical properties (such as structural, functional, and spatial information, amino acid conservation, physicochemical variation, residue mobility, and thermodynamic stability) indicates that this missense variant is not expected to disrupt MYLK protein function with a negative predictive value of 80%. In summary, the available evidence is currently insufficient to determine the role of this variant in disease. Therefore, it has been classified as a Variant of Uncertain Significance.

GeneDx
Classification: Uncertain significance. Last evaluated: 2023-04-14. Review status: criteria provided, single submitter. Criteria: GeneDx Variant Classification Process June 2021. Collection method: clinical testing. Allele origin: germline. Affected: yes.
Comment: Has not been previously published as pathogenic or benign to our knowledge; Not observed at significant frequency in large population cohorts (gnomAD); In silico analysis supports that this missense variant has a deleterious effect on protein structure/function